The following is an entry in ClinVar:

NM_000284.4(PDHA1):c.555A>G (p.Gly185=)

Gene: PDHA1 (pyruvate dehydrogenase E1 subunit alpha 1; plus strand). Cytogenetic location: Xp22.12.
Variant type: single nucleotide variant.
Coding change: c.555A>G on transcript NM_000284.4 (MANE Select); coding-DNA position 555, A replaced by G.
Protein change: p.Gly185=; no amino-acid change (glycine 185 retained).
Molecular consequence: synonymous variant. On other transcripts: intron variant (1).
Genome position (GRCh38, 1-based): chrX:19,354,535, A>G. VCF-style: chrX-19354535-A-G. GRCh37 (hg19) VCF-style: chrX-19372653-A-G.
Other names: c.669A>G, p.Gly223= (NM_001173454.2); c.576A>G, p.Gly192= (NM_001173455.2); c.511-814A>G (NM_001173456.2).
Identifiers: ClinVar variation 4070504 (VCV004070504.1).

ClinVar aggregate classification (germline): Likely pathogenic (0 of 4 stars; one submission).

Conditions:
Pyruvate dehydrogenase E1-alpha deficiency (PDHAD). Also called: ATAXIA, INTERMITTENT, WITH PYRUVATE DEHYDROGENASE DEFICIENCY; ATAXIA WITH LACTIC ACIDOSIS I; ATAXIA, INTERMITTENT, WITH ABNORMAL PYRUVATE METABOLISM; Ataxia, intermittent, with pyruvate dehydrogenase, or decarboxylase, deficiency. Identifiers: Orphanet 79243, MedGen C1839413, MONDO:0010717, OMIM 312170.

Submission:

PDHA1 Study Group, University Children’s Hospital, Paracelsus Medical University
Classification: Likely pathogenic for Pyruvate dehydrogenase E1-alpha deficiency. Last evaluated: 2024-10-15. Review status: no assertion criteria provided. Collection method: research. Allele origin: inherited. Affected: yes. Observed: 2 variant alleles.
Comment: The NM_000284.3:c.555A>G (p.?) variant affects splicing in PDHA1 gene. In total, 2 individuals were diagnosed with PDHA1-related Pyruvate dehydrogenase complex (PDHc) deficiency (MIM #312170). Among them, 2 were confirmed inherited. The variant has been reported in 2 published cases (PMIDs: 21914562). Last literature search: July 12, 2024. This variant is absent or extremely rare in population-based cohorts in the Genome Aggregation Database (gnomAD). Individuals harboring this variant presented with clinical features compatible with PDHA1-related PDHc deficiency. In summary, this variant meets criteria to be classified as likely pathogenic (LP) for PDHA1-related PDHc deficiency based on the ACMG/AMP criteria applied: PS3, PM2, PM7, PP5 (last assessment October 15, 2024).

Literature cited by the submitters: PubMed 21914562; DOI 10.1093/brain/awaf430.